The following is an entry in ClinVar:

NM_058246.4(DNAJB6):c.663T>A (p.Asp221Glu)

Gene: DNAJB6 (DnaJ heat shock protein family (Hsp40) member B6; plus strand). Cytogenetic location: 7q36.3.
Variant type: single nucleotide variant.
Coding change: c.663T>A on transcript NM_058246.4 (MANE Select); coding-DNA position 663, T replaced by A.
Protein change: p.Asp221Glu; replaces aspartic acid 221 with glutamic acid.
Molecular consequence: missense variant. On other transcripts: intron variant (1).
Genome position (GRCh38, 1-based): chr7:157,385,583, T>A. VCF-style: chr7-157385583-T-A. GRCh37 (hg19) VCF-style: chr7-157178277-T-A.
Other names: c.663T>A, p.Asp221Glu (NM_005494.3); c.346+18100T>A (NM_001363676.1); short protein forms D221E.
Identifiers: ClinVar variation 5041535 (VCV005041535.1).
Genomic context (GRCh38, chr7:157,385,583, plus strand): 5'-TGAATTTTTTTCCTACAGAATTGTCGAGAACGGTCAAGAAAGAGTAGAAGTTGAAGAAGA[T>A]GGCCAGTTAAAGTCCTTAACAATAAATGGTAAGGAGCAGCTGCTGCGCTTGGATAACAAG-3'
Protein context (NP_490647.1, residues 211-231): NGQERVEVEE[Asp221Glu]GQLKSLTING

ClinVar aggregate classification (germline): Uncertain significance (1 of 4 stars; one submission).

gnomAD v4.1: 2 of 1,613,950 alleles (0.00012%); highest among the groups gnomAD compares: Non-Finnish European, 0.00017%; no homozygotes.

Submission:

CeGaT Center for Human Genetics Tuebingen
Classification: Uncertain significance. Last evaluated: 2026-09-01. Review status: criteria provided, single submitter. Criteria: CeGaT Center For Human Genetics Tuebingen Variant Classification Criteria Version 2. Collection method: clinical testing. Allele origin: germline. Affected: yes. Observed: 1 variant allele.
Comment: DNAJB6: PM2:Supporting